The following is an entry in ClinVar:

ClinVar aggregate classification (germline): Uncertain significance (1 of 4 stars; one submission).

gnomAD v4.1: 1 of 1,577,758 alleles (0.000063%); highest among the groups gnomAD compares: Non-Finnish European, 0.000087%; no homozygotes.

Submission:

Labcorp Genetics (formerly Invitae), Labcorp
Classification: Uncertain significance. Last evaluated: 2024-12-12. Review status: criteria provided, single submitter. Criteria: Invitae Variant Classification Sherloc (09022015). Collection method: clinical testing. Allele origin: germline.
Comment: This sequence change replaces phenylalanine, which is neutral and non-polar, with isoleucine, which is neutral and non-polar, at codon 140 of the ASAH1 protein (p.Phe140Ile). This variant is not present in population databases (gnomAD no frequency). This variant has not been reported in the literature in individuals affected with ASAH1-related conditions. Invitae Evidence Modeling of protein sequence and biophysical properties (such as structural, functional, and spatial information, amino acid conservation, physicochemical variation, residue mobility, and thermodynamic stability) has been performed for this missense variant. However, the output from this modeling did not meet the statistical confidence thresholds required to predict the impact of this variant on ASAH1 protein function. In summary, the available evidence is currently insufficient to determine the role of this variant in disease. Therefore, it has been classified as a Variant of Uncertain Significance.

NM_177924.5(ASAH1):c.418T>A (p.Phe140Ile)

Gene: ASAH1 (N-acylsphingosine amidohydrolase 1; minus strand). Cytogenetic location: 8p22.
Variant type: single nucleotide variant.
Coding change: c.418T>A on transcript NM_177924.5 (MANE Select); coding-DNA position 418, T replaced by A.
Protein change: p.Phe140Ile; replaces phenylalanine 140 with isoleucine.
Molecular consequence: missense variant.
Genome position (GRCh38, 1-based): chr8:18,064,496, A>T on the plus strand (T>A on the coding strand, the complement: ASAH1 is on the minus strand). VCF-style: chr8-18064496-A-T. GRCh37 (hg19) VCF-style: chr8-17922005-A-T.
Other names: c.400T>A, p.Phe134Ile (NM_001127505.3); c.223T>A, p.Phe75Ile (NM_001363743.2); c.466T>A, p.Phe156Ile (NM_004315.6); short protein forms F134I, F140I, F156I, F75I.
Identifiers: ClinVar variation 3677817 (VCV003677817.2).